The following is an entry in ClinVar:

ClinVar aggregate classification (germline): Uncertain significance (1 of 4 stars; one submission).

Conditions:
Cardiovascular phenotype. Identifiers: MedGen CN230736.

Submission:

Ambry Genetics
Classification: Uncertain significance for Cardiovascular phenotype. Last evaluated: 2025-07-13. Review status: criteria provided, single submitter. Criteria: Ambry Variant Classification Scheme 2023. Collection method: clinical testing. Allele origin: germline.
Comment: The p.D1104A variant (also known as c.3311A>C), located in coding exon 6 of the ALPK3 gene, results from an A to C substitution at nucleotide position 3311. The aspartic acid at codon 1104 is replaced by alanine, an amino acid with dissimilar properties. This amino acid position is conserved. In addition, this alteration is predicted to be tolerated by in silico analysis. Based on the available evidence, the clinical significance of this variant remains unclear.

NM_020778.5(ALPK3):c.2705A>C (p.Asp902Ala)

Gene: ALPK3 (alpha kinase 3; plus strand). Cytogenetic location: 15q25.3.
Variant type: single nucleotide variant.
Coding change: c.2705A>C on transcript NM_020778.5 (MANE Select); coding-DNA position 2705, A replaced by C.
Protein change: p.Asp902Ala; replaces aspartic acid 902 with alanine.
Molecular consequence: missense variant.
Genome position (GRCh38, 1-based): chr15:84,857,443, A>C. VCF-style: chr15-84857443-A-C. GRCh37 (hg19) VCF-style: chr15-85400674-A-C.
Other names: short protein forms D902A.
Identifiers: ClinVar variation 4088876 (VCV004088876.1).